The following is an entry in ClinVar:

ClinVar aggregate classification (germline): Uncertain significance. Review status: criteria provided, multiple submitters, no conflicts (2 of 4 stars). 2 submissions from 2 submitters: Uncertain significance (2). Last evaluated 2024-04-24.

Conditions:
Inborn genetic diseases. Identifiers: MedGen C0950123, MeSH D030342.

Submissions (2):

Ambry Genetics
Classification: Uncertain significance for Inborn genetic diseases. Last evaluated: 2024-04-24. Review status: criteria provided, single submitter. Criteria: Ambry Variant Classification Scheme 2023. Collection method: clinical testing. Allele origin: germline.

Labcorp Genetics (formerly Invitae), Labcorp
Classification: Uncertain significance. Last evaluated: 2022-06-10. Review status: criteria provided, single submitter. Criteria: Invitae Variant Classification Sherloc (09022015). Collection method: clinical testing. Allele origin: germline.
Comment: This sequence change replaces alanine, which is neutral and non-polar, with glutamic acid, which is acidic and polar, at codon 166 of the CHM protein (p.Ala166Glu). This variant is present in population databases (rs569919713, gnomAD 0.008%), including at least one homozygous and/or hemizygous individual. This variant has not been reported in the literature in individuals affected with CHM-related conditions. Algorithms developed to predict the effect of missense changes on protein structure and function (SIFT, PolyPhen-2, Align-GVGD) all suggest that this variant is likely to be tolerated. In summary, the available evidence is currently insufficient to determine the role of this variant in disease. Therefore, it has been classified as a Variant of Uncertain Significance.

NM_000390.4(CHM):c.497C>A (p.Ala166Glu)

Gene: CHM (CHM Rab escort protein; minus strand). Cytogenetic location: Xq21.2.
Variant type: single nucleotide variant.
Coding change: c.497C>A on transcript NM_000390.4 (MANE Select); coding-DNA position 497, C replaced by A.
Protein change: p.Ala166Glu; replaces alanine 166 with glutamic acid.
Molecular consequence: missense variant.
Genome position (GRCh38, 1-based): chrX:85,963,870, G>T on the plus strand (C>A on the coding strand, the complement: CHM is on the minus strand). VCF-style: chrX-85963870-G-T. GRCh37 (hg19) VCF-style: chrX-85218875-G-T.
Other names: c.53C>A, p.Ala18Glu (NM_001320959.1, NM_001362517.1, NM_001362518.2 and 1 more transcripts); short protein forms A18E, A166E.
Identifiers: ClinVar variation 2196155 (VCV002196155.2), dbSNP rs569919713, ClinGen allele CA10465570.